The following is an entry in ClinVar:

ClinVar aggregate classification (germline): Uncertain significance (1 of 4 stars; one submission).

Conditions:
Brugada syndrome 8 (BRGDA8). Identifiers: Orphanet 130, MedGen C2751083, MONDO:0013148, OMIM 613123.

Allele frequency attached by ClinVar (database versions not stated): gnomAD exomes below 0.00001.
gnomAD v4.1: 2 of 1,613,202 alleles (0.00012%); highest among the groups gnomAD compares: Admixed American, 0.0017%; no homozygotes.

Submission:

Labcorp Genetics (formerly Invitae), Labcorp
Classification: Uncertain significance for Brugada syndrome 8. Last evaluated: 2025-03-27. Review status: criteria provided, single submitter. Criteria: Invitae Variant Classification Sherloc (09022015). Collection method: clinical testing. Allele origin: germline.
Comment: This sequence change replaces glycine, which is neutral and non-polar, with arginine, which is basic and polar, at codon 219 of the HCN4 protein (p.Gly219Arg). This variant is not present in population databases (gnomAD no frequency). This variant has not been reported in the literature in individuals affected with HCN4-related conditions. ClinVar contains an entry for this variant (Variation ID: 837517). Invitae Evidence Modeling of protein sequence and biophysical properties (such as structural, functional, and spatial information, amino acid conservation, physicochemical variation, residue mobility, and thermodynamic stability) has been performed for this missense variant. However, the output from this modeling did not meet the statistical confidence thresholds required to predict the impact of this variant on HCN4 protein function. In summary, the available evidence is currently insufficient to determine the role of this variant in disease. Therefore, it has been classified as a Variant of Uncertain Significance.

NM_005477.3(HCN4):c.655G>A (p.Gly219Arg)

Gene: HCN4 (hyperpolarization activated cyclic nucleotide gated potassium channel 4; minus strand). Cytogenetic location: 15q24.1.
Variant type: single nucleotide variant.
Coding change: c.655G>A on transcript NM_005477.3 (MANE Select); coding-DNA position 655, G replaced by A.
Protein change: p.Gly219Arg; replaces glycine 219 with arginine.
Molecular consequence: missense variant.
Genome position (GRCh38, 1-based): chr15:73,367,616, C>T on the plus strand (G>A on the coding strand, the complement: HCN4 is on the minus strand). VCF-style: chr15-73367616-C-T. GRCh37 (hg19) VCF-style: chr15-73659957-C-T.
Other names: short protein forms G219R.
Identifiers: ClinVar variation 837517 (VCV000837517.7), dbSNP rs1427997752, ClinGen allele CA393097331.